The following is an entry in ClinVar:

NM_023935.3(DDRGK1):c.433C>T (p.Arg145Trp)

Gene: DDRGK1 (DDRGK domain containing 1; minus strand). Cytogenetic location: 20p13.
Variant type: single nucleotide variant.
Coding change: c.433C>T on transcript NM_023935.3 (MANE Select); coding-DNA position 433, C replaced by T.
Protein change: p.Arg145Trp; replaces arginine 145 with tryptophan.
Molecular consequence: missense variant.
Genome position (GRCh38, 1-based): chr20:3,200,078, G>A on the plus strand (C>T on the coding strand, the complement: DDRGK1 is on the minus strand). VCF-style: chr20-3200078-G-A. GRCh37 (hg19) VCF-style: chr20-3180724-G-A.
Other names: c.433C>T (NM_023935.2); short protein forms R145W.
Identifiers: ClinVar variation 1598754 (VCV001598754.11), dbSNP rs79512666, ClinGen allele CA9740936.

ClinVar aggregate classification (germline): Benign. Review status: criteria provided, multiple submitters, no conflicts (2 of 4 stars). 3 submissions from 3 submitters: Benign (2). 1 of the submissions does not count toward it. Last evaluated 2026-01-29.

Conditions:
DDRGK1-related disorder. Also called: DDRGK1-related condition.

Allele frequency attached by ClinVar (database versions not stated): gnomAD exomes 0.00055; 1000 Genomes Project 30x 0.00109; 1000 Genomes Project 0.00120; gnomAD 0.00210 and 0.00231; TOPMed 0.00242; ESP Exome Variant Server 0.00323.

Submissions (3):

Labcorp Genetics (formerly Invitae), Labcorp
Classification: Benign. Last evaluated: 2026-01-29. Review status: criteria provided, single submitter. Criteria: Invitae Variant Classification Sherloc (09022015). Collection method: clinical testing. Allele origin: germline.

Breakthrough Genomics
Classification: Benign. Review status: criteria provided, single submitter. Criteria: ACMG Guidelines, 2015. Collection method: not provided. Allele origin: germline. Inheritance: Autosomal recessive inheritance. Affected: yes.

PreventionGenetics, part of Exact Sciences
Classification: Benign for DDRGK1-related condition. Last evaluated: 2019-09-24. Review status: no assertion criteria provided. Collection method: clinical testing. Allele origin: germline. Not counted in ClinVar's aggregate classification.
Comment: This variant is classified as benign based on ACMG/AMP sequence variant interpretation guidelines (Richards et al. 2015 PMID: 25741868, with internal and published modifications).